The following is an entry in ClinVar:

ClinVar aggregate classification (germline): Conflicting classifications of pathogenicity. Review status: criteria provided, conflicting classifications (1 of 4 stars). 3 submissions from 2 submitters: Uncertain significance (2); Benign (1). Last evaluated 2025-11-18.

Conditions:
Kabuki syndrome 1 (KABUK1). Also called: KMT2D-Related Kabuki Syndrome. Identifiers: Orphanet 2322, MedGen CN030661, MONDO:0007843, OMIM 147920.
Choanal atresia-athelia-hypothyroidism-delayed puberty-short stature syndrome (BCAHH). Also called: BRANCHIAL ARCH ABNORMALITIES, CHOANAL ATRESIA, ATHELIA, HEARING LOSS, AND HYPOTHYROIDISM SYNDROME. Identifiers: Orphanet 589856, MedGen C5680310, MONDO:0035651, OMIM 620186.
Kabuki syndrome. Also called: NIIKAWA-KUROKI SYNDROME; Kabuki make-up syndrome. Identifiers: Orphanet 2322, MedGen C0796004, MONDO:0016512.

Allele frequency attached by ClinVar (database versions not stated): gnomAD exomes below 0.00001; gnomAD 0.00001; TOPMed 0.00002.

Submissions (3):

Labcorp Genetics (formerly Invitae), Labcorp
Classification: Benign for Kabuki syndrome. Last evaluated: 2025-11-18. Review status: criteria provided, single submitter. Criteria: Invitae Variant Classification Sherloc (09022015). Collection method: clinical testing. Allele origin: germline.

Center for Genomics, Ann and Robert H. Lurie Children's Hospital of Chicago
Classification: Uncertain significance for Kabuki syndrome 1. Last evaluated: 2018-05-25. Review status: criteria provided, single submitter. Criteria: ACMG Guidelines, 2015. Collection method: clinical testing. Allele origin: germline.
Comment: KMT2D NM_003482.3 exon 10 p.Pro470Ser (c.1408C>T): This variant has not been reported in the literature but is present in 1/33394 Latino alleles in the Genome Aggregation Database. Evolutionary conservation and computational predictive tools for this variant are unclear. In summary, data on this variant is insufficient for disease classification. Therefore, the clinical significance of this variant is uncertain.

Center for Genomics, Ann and Robert H. Lurie Children's Hospital of Chicago
Classification: Uncertain significance for Choanal atresia-athelia-hypothyroidism-delayed puberty-short stature syndrome; Kabuki syndrome 1. Review status: criteria provided, single submitter. Criteria: ACMG Guidelines, 2015. Collection method: clinical testing. Allele origin: germline.
Comment: the same text as in the submission from Center for Genomics, Ann and Robert H. Lurie Children's Hospital of Chicago above.

NM_003482.4(KMT2D):c.1408C>T (p.Pro470Ser)

Gene: KMT2D (lysine methyltransferase 2D; minus strand). Cytogenetic location: 12q13.12.
Variant type: single nucleotide variant.
Coding change: c.1408C>T on transcript NM_003482.4 (MANE Select); coding-DNA position 1408, C replaced by T.
Protein change: p.Pro470Ser; replaces proline 470 with serine.
Molecular consequence: missense variant.
Genome position (GRCh38, 1-based): chr12:49,052,275, G>A on the plus strand (C>T on the coding strand, the complement: KMT2D is on the minus strand). VCF-style: chr12-49052275-G-A. GRCh37 (hg19) VCF-style: chr12-49446058-G-A.
Other names: short protein forms P470S.
Identifiers: ClinVar variation 626129 (VCV000626129.7), dbSNP rs761594079, ClinGen allele CA384675021.